The following is an entry in ClinVar:

ClinVar aggregate classification (germline): Uncertain significance (1 of 4 stars; one submission).

Submission:

Labcorp Genetics (formerly Invitae), Labcorp
Classification: Uncertain significance. Last evaluated: 2022-03-14. Review status: criteria provided, single submitter. Criteria: Invitae Variant Classification Sherloc (09022015). Collection method: clinical testing. Allele origin: germline.
Comment: This sequence change replaces lysine, which is basic and polar, with asparagine, which is neutral and polar, at codon 3707 of the USH2A protein (p.Lys3707Asn). This variant is not present in population databases (gnomAD no frequency). This variant has not been reported in the literature in individuals affected with USH2A-related conditions. Algorithms developed to predict the effect of missense changes on protein structure and function (SIFT, PolyPhen-2, Align-GVGD) all suggest that this variant is likely to be tolerated. In summary, the available evidence is currently insufficient to determine the role of this variant in disease. Therefore, it has been classified as a Variant of Uncertain Significance.

NM_206933.4(USH2A):c.11121G>C (p.Lys3707Asn)

Gene: USH2A (usherin; minus strand). Cytogenetic location: 1q41.
Variant type: single nucleotide variant.
Coding change: c.11121G>C on transcript NM_206933.4 (MANE Select); coding-DNA position 11121, G replaced by C.
Protein change: p.Lys3707Asn; replaces lysine 3707 with asparagine.
Molecular consequence: missense variant.
Genome position (GRCh38, 1-based): chr1:215,759,770, C>G on the plus strand (G>C on the coding strand, the complement: USH2A is on the minus strand). VCF-style: chr1-215759770-C-G. GRCh37 (hg19) VCF-style: chr1-215933112-C-G.
Other names: short protein forms K3707N.
Identifiers: ClinVar variation 2106800 (VCV002106800.1), dbSNP rs111033515, ClinGen allele CA344822994.